The following is an entry in ClinVar:

ClinVar aggregate classification (germline): Uncertain significance (1 of 4 stars; one submission).

Conditions:
Tay-Sachs disease (TSD). Also called: HEXA DEFICIENCY; GM2 gangliosidosis, type 1; Hexosaminidase alpha-subunit deficiency (variant B); Sphingolipidosis, Tay-Sachs; Hexosaminidase A Deficiency; HEXA Disorders. Identifiers: Orphanet 845, MedGen C0039373, MONDO:0010100, OMIM 272800.

Submission:

Labcorp Genetics (formerly Invitae), Labcorp
Classification: Uncertain significance for Tay-Sachs disease. Last evaluated: 2022-08-22. Review status: criteria provided, single submitter. Criteria: Invitae Variant Classification Sherloc (09022015). Collection method: clinical testing. Allele origin: germline.
Comment: Variants that disrupt the consensus splice site are a relatively common cause of aberrant splicing (PMID: 17576681, 9536098). Algorithms developed to predict the effect of sequence changes on RNA splicing suggest that this variant is not likely to affect RNA splicing. This variant has not been reported in the literature in individuals affected with HEXA-related conditions. This variant is not present in population databases (gnomAD no frequency). This sequence change falls in intron 8 of the HEXA gene. It does not directly change the encoded amino acid sequence of the HEXA protein. It affects a nucleotide within the consensus splice site. In summary, the available evidence is currently insufficient to determine the role of this variant in disease. Therefore, it has been classified as a Variant of Uncertain Significance.

Literature cited by the submitters: PubMed 17576681; PubMed 9536098.

NM_000520.6(HEXA):c.986+6A>T

Gene: HEXA (hexosaminidase subunit alpha; minus strand). Cytogenetic location: 15q23.
Variant type: single nucleotide variant.
Coding change: c.986+6A>T on transcript NM_000520.6 (MANE Select); 6 bases into the intron after coding-DNA position 986, A replaced by T.
Molecular consequence: intron variant.
Genome position (GRCh38, 1-based): chr15:72,349,073, T>A on the plus strand (A>T on the coding strand, the complement: HEXA is on the minus strand). VCF-style: chr15-72349073-T-A. GRCh37 (hg19) VCF-style: chr15-72641414-T-A.
Other names: c.1019+6A>T (NM_001318825.2).
Identifiers: ClinVar variation 2026078 (VCV002026078.4), dbSNP rs2542522507, ClinGen allele CA2580089960.